The following is an entry in ClinVar:

ClinVar aggregate classification (germline): Uncertain significance. Review status: criteria provided, multiple submitters, no conflicts (2 of 4 stars). 3 submissions from 3 submitters: Uncertain significance (3). Last evaluated 2025-04-21.

Conditions:
Dyskeratosis congenita, autosomal dominant 6 (DKCA6). Identifiers: Orphanet 3322, MedGen C4225284, MONDO:0014690, OMIM 616553.
Inborn genetic diseases. Identifiers: MedGen C0950123, MeSH D030342.

Allele frequency attached by ClinVar (database versions not stated): gnomAD exomes 0.00001; ExAC 0.00002; TOPMed 0.00002.
gnomAD v4.1: 4 of 1,612,584 alleles (0.00025%); highest among the groups gnomAD compares: African/African-American, 0.0053%; no homozygotes.

Submissions (3):

Mayo Clinic Laboratories, Mayo Clinic
Classification: Uncertain significance. Last evaluated: 2025-04-21. Review status: criteria provided, single submitter. Criteria: ACMG Guidelines, 2015. Collection method: clinical testing. Allele origin: germline. Observed: 1 variant allele.
Comment: BP4_moderate

Labcorp Genetics (formerly Invitae), Labcorp
Classification: Uncertain significance for Dyskeratosis congenita, autosomal dominant 6. Last evaluated: 2025-02-28. Review status: criteria provided, single submitter. Criteria: Invitae Variant Classification Sherloc (09022015). Collection method: clinical testing. Allele origin: germline.
Comment: This sequence change replaces serine, which is neutral and polar, with phenylalanine, which is neutral and non-polar, at codon 110 of the ACD protein (p.Ser110Phe). This variant is present in population databases (rs771660128, gnomAD 0.02%). This variant has not been reported in the literature in individuals affected with ACD-related conditions. ClinVar contains an entry for this variant (Variation ID: 1729928). Invitae Evidence Modeling of protein sequence and biophysical properties (such as structural, functional, and spatial information, amino acid conservation, physicochemical variation, residue mobility, and thermodynamic stability) indicates that this missense variant is expected to disrupt ACD protein function with a positive predictive value of 80%. In summary, the available evidence is currently insufficient to determine the role of this variant in disease. Therefore, it has been classified as a Variant of Uncertain Significance.

Ambry Genetics
Classification: Uncertain significance for Inborn genetic diseases. Last evaluated: 2024-09-03. Review status: criteria provided, single submitter. Criteria: Ambry Variant Classification Scheme 2023. Collection method: clinical testing. Allele origin: germline.
Comment: The p.S110F variant (also known as c.329C>T), located in coding exon 1 of the ACD gene, results from a C to T substitution at nucleotide position 329. The serine at codon 110 is replaced by phenylalanine, an amino acid with highly dissimilar properties. This amino acid position is conserved. In addition, this alteration is predicted to be tolerated by in silico analysis. Since supporting evidence is limited at this time, the clinical significance of this alteration remains unclear.

NM_001082486.2(ACD):c.71C>T (p.Ser24Phe)

Gene: ACD (ACD shelterin complex subunit and telomerase recruitment factor; minus strand). Cytogenetic location: 16q22.1.
Variant type: single nucleotide variant.
Coding change: c.71C>T on transcript NM_001082486.2 (MANE Select); coding-DNA position 71, C replaced by T.
Protein change: p.Ser24Phe; replaces serine 24 with phenylalanine.
Molecular consequence: missense variant.
Genome position (GRCh38, 1-based): chr16:67,660,150, G>A on the plus strand (C>T on the coding strand, the complement: ACD is on the minus strand). VCF-style: chr16-67660150-G-A. GRCh37 (hg19) VCF-style: chr16-67694053-G-A.
Other names: p.Ser24Phe; c.71C>T, p.Ser24Phe (NM_001410884.1, NM_022914.3); short protein forms S24F.
Identifiers: ClinVar variation 1729928 (VCV001729928.5), dbSNP rs771660128, ClinGen allele CA8114838.
Genomic context (GRCh38, chr16:67,660,150, plus strand): 5'-CCTCGGTCTCCGGGCCCTGAATGGGGGCTCACCTCAAGCAGCTGCCCGGCTCGTGGACTG[G>A]AGGGTGTCTCTGACCCCAGAATCAGCTCCCGAATCCAGGGCCGTAGGACCAGCCTCCCCG-3'
Protein context (NP_001075955.2, residues 14-34): RELILGSETP[Ser24Phe]SPRAGQLLEV